The following is an entry in ClinVar:

NC_000017.11:g.(?_46031456)_(46067687_?)dup

Gene: KANSL1 (KAT8 regulatory NSL complex subunit 1). Cytogenetic location: 17q21.31.
Variant type: Duplication.
Identifiers: ClinVar variation 832068 (VCV000832068.2).

ClinVar aggregate classification (germline): Uncertain significance (1 of 4 stars; one submission).

Conditions:
Koolen-de Vries syndrome (KDVS). Identifiers: Orphanet 96169, MedGen C1864871, MONDO:0012496, OMIM 610443.

Submission:

Labcorp Genetics (formerly Invitae), Labcorp
Classification: Uncertain significance for Koolen-de Vries syndrome. Last evaluated: 2019-09-05. Review status: criteria provided, single submitter. Criteria: Invitae Variant Classification Sherloc (09022015). Collection method: clinical testing. Allele origin: germline.
Comment: This variant results in a copy number gain of the genomic region encompassing exons 5-15 of the KANSL1 gene. The 5' boundary is likely confined to intron 4. The 3' end of this event is unknown as it extends beyond the assayed region for this gene and therefore may encompass additional genes. As the precise location of this event is unknown, it may be in tandem or it may be located elsewhere in the genome. This variant has not been reported in the literature in individuals with KANSL1-related conditions. In summary, the available evidence is currently insufficient to determine the role of this variant in disease. Therefore, it has been classified as a Variant of Uncertain Significance.